The following is an entry in ClinVar:

NM_004525.3(LRP2):c.9050A>G (p.Asp3017Gly)

Gene: LRP2 (LDL receptor related protein 2; minus strand). Cytogenetic location: 2q31.1.
Variant type: single nucleotide variant.
Coding change: c.9050A>G on transcript NM_004525.3 (MANE Select); coding-DNA position 9050, A replaced by G.
Protein change: p.Asp3017Gly; replaces aspartic acid 3017 with glycine.
Molecular consequence: missense variant.
Genome position (GRCh38, 1-based): chr2:169,188,248, T>C on the plus strand (A>G on the coding strand, the complement: LRP2 is on the minus strand). VCF-style: chr2-169188248-T-C. GRCh37 (hg19) VCF-style: chr2-170044758-T-C.
Other names: c.9050A>G (NM_004525.2); short protein forms D3017G.
Identifiers: ClinVar variation 1499231 (VCV001499231.6), dbSNP rs576345772, ClinGen allele CA59917416.

ClinVar aggregate classification (germline): Uncertain significance. Review status: criteria provided, multiple submitters, no conflicts (2 of 4 stars). 2 submissions from 2 submitters: Uncertain significance (2). Last evaluated 2025-11-03.

Conditions:
Inborn genetic diseases. Identifiers: MedGen C0950123, MeSH D030342.

Allele frequency attached by ClinVar (database versions not stated): TOPMed 0.00002; gnomAD 0.00001; gnomAD exomes 0.00001.
gnomAD v4.1: 12 of 1,614,038 alleles (0.00074%); highest among the groups gnomAD compares: Non-Finnish European, 0.00085%; no homozygotes.

Submissions (2):

Ambry Genetics
Classification: Uncertain significance for Inborn genetic diseases. Last evaluated: 2025-11-03. Review status: criteria provided, single submitter. Criteria: Ambry Variant Classification Scheme 2023. Collection method: clinical testing. Allele origin: germline.

Labcorp Genetics (formerly Invitae), Labcorp
Classification: Uncertain significance. Last evaluated: 2021-08-18. Review status: criteria provided, single submitter. Criteria: Invitae Variant Classification Sherloc (09022015). Collection method: clinical testing. Allele origin: germline.
Comment: In summary, the available evidence is currently insufficient to determine the role of this variant in disease. Therefore, it has been classified as a Variant of Uncertain Significance. Advanced modeling of protein sequence and biophysical properties (such as structural, functional, and spatial information, amino acid conservation, physicochemical variation, residue mobility, and thermodynamic stability) performed at Invitae indicates that this missense variant is expected to disrupt LRP2 protein function. This variant has not been reported in the literature in individuals affected with LRP2-related conditions. This variant is not present in population databases (ExAC no frequency). This sequence change replaces aspartic acid with glycine at codon 3017 of the LRP2 protein (p.Asp3017Gly). The aspartic acid residue is highly conserved and there is a moderate physicochemical difference between aspartic acid and glycine.